The following is an entry in ClinVar:

ClinVar aggregate classification (germline): Uncertain significance. Review status: criteria provided, multiple submitters, no conflicts (2 of 4 stars). 2 submissions from 2 submitters: Uncertain significance (2). Last evaluated 2021-05-12.

Conditions:
Periventricular nodular heterotopia 9. Identifiers: MedGen C5394503, MONDO:0030061, OMIM 618918.
Periventricular cysts. Identifiers: MedGen C1839858, HP:0007109.
Macrocephaly. Also called: Macrocephalus; large head. Identifiers: MedGen C2243051, HP:0000256.

Allele frequency attached by ClinVar (database versions not stated): gnomAD exomes 0.00001 and 0.00003; TOPMed 0.00002.
gnomAD v4.1: 40 of 1,614,204 alleles (0.0025%); highest among the groups gnomAD compares: Non-Finnish European, 0.0031%; no homozygotes.

Submissions (2):

Genetics Institute, Tel Aviv Sourasky Medical Center
Classification: Uncertain significance for Macrocephaly; Periventricular cysts. Last evaluated: 2021-05-12. Review status: criteria provided, single submitter. Criteria: ACMG Guidelines, 2015. Collection method: clinical testing. Allele origin: inherited. Inheritance: Autosomal dominant inheritance.

Centre for Mendelian Genomics, University Medical Centre Ljubljana
Classification: Uncertain significance for Periventricular nodular heterotopia 9. Last evaluated: 2019-12-11. Review status: criteria provided, single submitter. Criteria: ACMG Guidelines, 2015. Collection method: clinical testing. Allele origin: unknown. Affected: yes.
Comment: This variant was classified as: Uncertain significance. The available evidence on this variant's pathogenicity is insufficient or conflicting. The following ACMG criteria were applied in classifying this variant: PM2,PP3.

NM_005909.5(MAP1B):c.4022C>T (p.Thr1341Ile)

Gene: MAP1B (microtubule associated protein 1B; plus strand). Cytogenetic location: 5q13.2.
Variant type: single nucleotide variant.
Coding change: c.4022C>T on transcript NM_005909.5 (MANE Select); coding-DNA position 4022, C replaced by T.
Protein change: p.Thr1341Ile; replaces threonine 1341 with isoleucine.
Molecular consequence: missense variant.
Genome position (GRCh38, 1-based): chr5:72,197,377, C>T. VCF-style: chr5-72197377-C-T. GRCh37 (hg19) VCF-style: chr5-71493204-C-T.
Other names: c.3644C>T, p.Thr1215Ile (NM_001324255.2); short protein forms T1215I, T1341I.
Identifiers: ClinVar variation 931615 (VCV000931615.4), dbSNP rs958602754, ClinGen allele CA120033270.